The following is an entry in ClinVar:

NM_017636.4(TRPM4):c.255C>T (p.Arg85=)

Gene: TRPM4 (transient receptor potential cation channel subfamily M member 4; plus strand). Cytogenetic location: 19q13.33.
Variant type: single nucleotide variant.
Coding change: c.255C>T on transcript NM_017636.4 (MANE Select); coding-DNA position 255, C replaced by T.
Protein change: p.Arg85=; no amino-acid change (arginine 85 retained).
Molecular consequence: synonymous variant. On other transcripts: 5 prime UTR variant (1), intron variant (2).
Genome position (GRCh38, 1-based): chr19:49,166,203, C>T. VCF-style: chr19-49166203-C-T. GRCh37 (hg19) VCF-style: chr19-49669460-C-T.
Other names: c.255C>T, p.Arg85= (NM_001195227.2, NM_001321281.2); c.-1118C>T (NM_001321282.2); c.-74-2057C>T (NM_001321283.2); c.-237-2350C>T (NM_001321285.2).
Identifiers: ClinVar variation 943295 (VCV000943295.11), dbSNP rs1439687789, ClinGen allele CA508099181.

ClinVar aggregate classification (germline): Uncertain significance. Review status: criteria provided, multiple submitters, no conflicts (2 of 4 stars). 2 submissions from 2 submitters: Uncertain significance (2). Last evaluated 2019-10-04.

Conditions:
Progressive familial heart block type IB (PFHB1B). Identifiers: Orphanet 871, MedGen C1970298, MONDO:0011474, OMIM 604559.

Allele frequency attached by ClinVar (database versions not stated): gnomAD exomes 0.00001.
gnomAD v4.1: 8 of 1,604,616 alleles (0.0005%); highest among the groups gnomAD compares: Non-Finnish European, 0.00059%; no homozygotes.

Submissions (2):

GeneDx
Classification: Uncertain significance. Last evaluated: 2019-10-04. Review status: criteria provided, single submitter. Criteria: GeneDx Variant Classification Process June 2021. Collection method: clinical testing. Allele origin: germline. Affected: yes.
Comment: Has not been previously published as pathogenic or benign to our knowledge; Not observed in large population cohorts (Lek et al., 2016); In silico analysis, which includes splice predictors and evolutionary conservation, suggests this variant may impact gene splicing. In the absence of RNA/functional studies, the actual effect of this sequence change is unknown.

Labcorp Genetics (formerly Invitae), Labcorp
Classification: Uncertain significance for Progressive familial heart block type IB. Last evaluated: 2019-06-12. Review status: criteria provided, single submitter. Criteria: Invitae Variant Classification Sherloc (09022015). Collection method: clinical testing. Allele origin: germline.
Comment: This variant has not been reported in the literature in individuals with TRPM4-related conditions. This variant is not present in population databases (ExAC no frequency). This sequence change affects codon 85 of the TRPM4 mRNA. It is a 'silent' change, meaning that it does not change the encoded amino acid sequence of the TRPM4 protein. In summary, the available evidence is currently insufficient to determine the role of this variant in disease. Therefore, it has been classified as a Variant of Uncertain Significance. Algorithms developed to predict the effect of sequence changes on RNA splicing suggest that this variant may create or strengthen a splice site, but this prediction has not been confirmed by published transcriptional studies.